The following is an entry in ClinVar:

NM_001987.5(ETV6):c.257C>T (p.Thr86Met)

Genes: ETV6 (ETS variant transcription factor 6; plus strand), LOC126861451 (BRD4-independent group 4 enhancer GRCh37_chr12:11991350-11992549; plus strand). Cytogenetic location: 12p13.2.
Variant type: single nucleotide variant.
Coding change: c.257C>T on transcript NM_001987.5 (MANE Select); coding-DNA position 257, C replaced by T.
Protein change: p.Thr86Met; replaces threonine 86 with methionine.
Molecular consequence: missense variant. On other transcripts: 5 prime UTR variant (1).
Genome position (GRCh38, 1-based): chr12:11,839,233, C>T. VCF-style: chr12-11839233-C-T. GRCh37 (hg19) VCF-style: chr12-11992167-C-T.
Other names: c.254C>T, p.Thr85Met (NM_001413913.1); c.230C>T, p.Thr77Met (NM_001413914.1); c.-8C>T (NM_001413915.1); c.257C>T, p.Thr86Met (NM_001413916.1, NM_001413917.1, NM_001413918.1); short protein forms T85M, T86M, T77M.
Identifiers: ClinVar variation 3846462 (VCV003846462.2).

ClinVar aggregate classification (germline): Uncertain significance. Review status: criteria provided, multiple submitters, no conflicts (2 of 4 stars). 2 submissions from 2 submitters: Uncertain significance (2). Last evaluated 2026-10-01.

Conditions:
Inborn genetic diseases. Identifiers: MedGen C0950123, MeSH D030342.
Thrombocytopenia 5 (THC5). Also called: THROMBOCYTOPENIA 5 WITH INCREASED SUSCEPTIBILITY TO MALIGNANCY; THROMBOCYTOPENIA, AUTOSOMAL DOMINANT, 5. Identifiers: MedGen C4015537, MONDO:0014536, OMIM 616216.

gnomAD v4.1: 22 of 1,614,118 alleles (0.0014%); highest among the groups gnomAD compares: East Asian, 0.0045%; no homozygotes.

Submissions (2):

St. Jude Molecular Pathology, St. Jude Children's Research Hospital
Classification: Uncertain significance for Thrombocytopenia 5. Last evaluated: 2026-10-01. Review status: criteria provided, single submitter. Criteria: St. Jude Assertion Criteria 2020. Collection method: clinical testing. Allele origin: germline.
Comment: The ETV6 c.257C>T p.(Thr86Met) missense change has a maximum subpopulation frequency of 0.01% in gno mAD v2.1.1. The in silico tool REVEL predicts a benign effect on protein function, but to our knowledge this prediction has not been confirmed by functional studies. To our knowledge, this variant has not been reported in the literature in individuals with ETV6-related disease. In summary, the evidence currently available is insufficient to determine the clinical significance of this variant. It has therefore been classified as of uncertain significance.

Ambry Genetics
Classification: Uncertain significance for Inborn genetic diseases. Last evaluated: 2025-01-21. Review status: criteria provided, single submitter. Criteria: Ambry Variant Classification Scheme 2023. Collection method: clinical testing. Allele origin: germline.
Comment: The p.T86M variant (also known as c.257C>T), located in coding exon 3 of the ETV6 gene, results from a C to T substitution at nucleotide position 257. The threonine at codon 86 is replaced by methionine, an amino acid with similar properties. This amino acid position is conserved. In addition, this alteration is predicted to be tolerated by in silico analysis. Based on the available evidence, the clinical significance of this variant remains unclear.